The following is an entry in ClinVar:

ClinVar aggregate classification (germline): Uncertain significance (1 of 4 stars; one submission).

Conditions:
Myofibrillar myopathy 4. Also called: Zaspopathy (type). Identifiers: Orphanet 98912, MedGen C4721886, MONDO:0012277, OMIM 609452.

gnomAD v4.1: 1 of 1,613,942 alleles (0.000062%); highest among the groups gnomAD compares: East Asian, 0.0022%; no homozygotes.

Submission:

Labcorp Genetics (formerly Invitae), Labcorp
Classification: Uncertain significance for Myofibrillar myopathy 4. Last evaluated: 2025-10-09. Review status: criteria provided, single submitter. Criteria: Invitae Variant Classification Sherloc (09022015). Collection method: clinical testing. Allele origin: germline.
Comment: The LDB3 gene has multiple clinically relevant transcripts. This variant occurs in alternate transcript NM_007078.3, and corresponds to NM_001080116.1:c.*17230C>G in the primary transcript. This sequence change affects codon 503 of the LDB3 mRNA. It is a 'silent' change, meaning that it does not change the encoded amino acid sequence of the LDB3 protein. This variant is not present in population databases (gnomAD no frequency). This variant has not been reported in the literature in individuals affected with LDB3-related conditions. Experimental studies and prediction algorithms are not available or were not evaluated, and the effect of this variant on mRNA splicing is currently unknown. In summary, the available evidence is currently insufficient to determine the role of this variant in disease. Therefore, it has been classified as a Variant of Uncertain Significance.

NM_007078.3(LDB3):c.1509C>G (p.Gly503=)

Gene: LDB3 (LIM domain binding 3; plus strand). Cytogenetic location: 10q23.2.
Variant type: single nucleotide variant.
Coding change: c.1509C>G on transcript NM_007078.3 (MANE Select); coding-DNA position 1509, C replaced by G.
Protein change: p.Gly503=; no amino-acid change (glycine 503 retained).
Molecular consequence: synonymous variant.
Genome position (GRCh38, 1-based): chr10:86,716,604, C>G. VCF-style: chr10-86716604-C-G. GRCh37 (hg19) VCF-style: chr10-88476361-C-G.
Other names: c.1179C>G, p.Gly393= (NM_001080114.2); c.1524C>G, p.Gly508= (NM_001171610.2); c.1320C>G, p.Gly440= (NM_001368064.1, NM_001368065.1); c.1368C>G, p.Gly456= (NM_001368066.1).
Identifiers: ClinVar variation 4728806 (VCV004728806.1).